The following is an entry in ClinVar:

NM_031935.3(HMCN1):c.1354T>C (p.Ser452Pro)

Gene: HMCN1 (hemicentin 1; plus strand). Cytogenetic location: 1q31.1.
Variant type: single nucleotide variant.
Coding change: c.1354T>C on transcript NM_031935.3 (MANE Select); coding-DNA position 1354, T replaced by C.
Protein change: p.Ser452Pro; replaces serine 452 with proline.
Molecular consequence: missense variant.
Genome position (GRCh38, 1-based): chr1:185,925,115, T>C. VCF-style: chr1-185925115-T-C. GRCh37 (hg19) VCF-style: chr1-185894247-T-C.
Other names: short protein forms S452P.
Identifiers: ClinVar variation 2090049 (VCV002090049.4), dbSNP rs369384351, ClinGen allele CA33458802.
Genomic context (GRCh38, chr1:185,925,115, plus strand): 5'-AAAGTTACGATGCCTGAGAAAACCCCAGGATACTATCTGCAGCCGGGCCAAATTCCCTGC[T>C]CTGTTGACAGTCTTTTGCCCTTTACCTTGAGCTTTGTCAGAAATGGAGTTACACTTGGAG-3'
Protein context (NP_114141.2, residues 442-462): YYLQPGQIPC[Ser452Pro]VDSLLPFTLS

ClinVar aggregate classification (germline): Uncertain significance (1 of 4 stars; one submission).

Allele frequency attached by ClinVar (database versions not stated): gnomAD exomes below 0.00001; TOPMed below 0.00001; ESP Exome Variant Server 0.00008.
gnomAD v4.1: 4 of 1,613,904 alleles (0.00025%); highest among the groups gnomAD compares: South Asian, 0.0033%; no homozygotes.

Submission:

Labcorp Genetics (formerly Invitae), Labcorp
Classification: Uncertain significance. Last evaluated: 2024-11-05. Review status: criteria provided, single submitter. Criteria: Invitae Variant Classification Sherloc (09022015). Collection method: clinical testing. Allele origin: germline.
Comment: This sequence change replaces serine, which is neutral and polar, with proline, which is neutral and non-polar, at codon 452 of the HMCN1 protein (p.Ser452Pro). This variant is present in population databases (rs369384351, gnomAD 0.0009%). This variant has not been reported in the literature in individuals affected with HMCN1-related conditions. ClinVar contains an entry for this variant (Variation ID: 2090049). An algorithm developed to predict the effect of missense changes on protein structure and function (PolyPhen-2) suggests that this variant is likely to be tolerated. In summary, the available evidence is currently insufficient to determine the role of this variant in disease. Therefore, it has been classified as a Variant of Uncertain Significance.